The following is an entry in ClinVar:

NM_001018113.3(FANCB):c.1348T>C (p.Cys450Arg)

Gene: FANCB (FA complementation group B; minus strand). Cytogenetic location: Xp22.2.
Variant type: single nucleotide variant.
Coding change: c.1348T>C on transcript NM_001018113.3 (MANE Select); coding-DNA position 1348, T replaced by C.
Protein change: p.Cys450Arg; replaces cysteine 450 with arginine.
Molecular consequence: missense variant.
Genome position (GRCh38, 1-based): chrX:14,850,653, A>G on the plus strand (T>C on the coding strand, the complement: FANCB is on the minus strand). VCF-style: chrX-14850653-A-G. GRCh37 (hg19) VCF-style: chrX-14868775-A-G.
Other names: c.1348T>C, p.Cys450Arg (NM_001324162.2, NM_001410764.1, NM_152633.4); short protein forms C450R.
Identifiers: ClinVar variation 4695511 (VCV004695511.1).

ClinVar aggregate classification (germline): Uncertain significance (1 of 4 stars; one submission).

Conditions:
Fanconi anemia (FA). Also called: Fanconi's anemia. Identifiers: Orphanet 84, MedGen C0015625, MeSH D005199, MONDO:0019391.

Submission:

Labcorp Genetics (formerly Invitae), Labcorp
Classification: Uncertain significance for Fanconi anemia. Last evaluated: 2025-08-08. Review status: criteria provided, single submitter. Criteria: Invitae Variant Classification Sherloc (09022015). Collection method: clinical testing. Allele origin: germline.
Comment: This sequence change replaces cysteine, which is neutral and slightly polar, with arginine, which is basic and polar, at codon 450 of the FANCB protein (p.Cys450Arg). This variant is not present in population databases (gnomAD no frequency). This variant has not been reported in the literature in individuals affected with FANCB-related conditions. Invitae Evidence Modeling of protein sequence and biophysical properties (such as structural, functional, and spatial information, amino acid conservation, physicochemical variation, residue mobility, and thermodynamic stability) indicates that this missense variant is expected to disrupt FANCB protein function with a positive predictive value of 80%. In summary, the available evidence is currently insufficient to determine the role of this variant in disease. Therefore, it has been classified as a Variant of Uncertain Significance.